The following is an entry in ClinVar:

NM_144670.6(A2ML1):c.2890G>A (p.Val964Met)

Gene: A2ML1 (alpha-2-macroglobulin like 1; plus strand). Cytogenetic location: 12p13.31.
Variant type: single nucleotide variant.
Coding change: c.2890G>A on transcript NM_144670.6 (MANE Select); coding-DNA position 2890, G replaced by A.
Protein change: p.Val964Met; replaces valine 964 with methionine.
Molecular consequence: missense variant.
Genome position (GRCh38, 1-based): chr12:8,857,205, G>A. VCF-style: chr12-8857205-G-A. GRCh37 (hg19) VCF-style: chr12-9009801-G-A.
Other names: c.1417G>A, p.Val473Met (NM_001282424.3); short protein forms V473M, V964M.
Identifiers: ClinVar variation 1522716 (VCV001522716.8), dbSNP rs1384506220, ClinGen allele CA383836146.

ClinVar aggregate classification (germline): Uncertain significance. Review status: criteria provided, multiple submitters, no conflicts (2 of 4 stars). 2 submissions from 2 submitters: Uncertain significance (2). Last evaluated 2025-09-09.

gnomAD v4.1: 2 of 1,612,864 alleles (0.00012%); highest among the groups gnomAD compares: Non-Finnish European, 0.000085%; no homozygotes.

Submissions (2):

Labcorp Genetics (formerly Invitae), Labcorp
Classification: Uncertain significance. Last evaluated: 2025-09-09. Review status: criteria provided, single submitter. Criteria: Invitae Variant Classification Sherloc (09022015). Collection method: clinical testing. Allele origin: germline.
Comment: This sequence change replaces valine, which is neutral and non-polar, with methionine, which is neutral and non-polar, at codon 964 of the A2ML1 protein (p.Val964Met). This variant is not present in population databases (gnomAD no frequency). This variant has not been reported in the literature in individuals affected with A2ML1-related conditions. ClinVar contains an entry for this variant (Variation ID: 1522716). An algorithm developed to predict the effect of missense changes on protein structure and function (PolyPhen-2) suggests that this variant is likely to be disruptive. In summary, the available evidence is currently insufficient to determine the role of this variant in disease. Therefore, it has been classified as a Variant of Uncertain Significance.

Ambry Genetics
Classification: Uncertain significance. Last evaluated: 2022-09-17. Review status: criteria provided, single submitter. Criteria: Ambry Variant Classification Scheme 2023. Collection method: clinical testing. Allele origin: germline.
Comment: The p.V964M variant (also known as c.2890G>A), located in coding exon 24 of the A2ML1 gene, results from a G to A substitution at nucleotide position 2890. The valine at codon 964 is replaced by methionine, an amino acid with highly similar properties. This amino acid position is conserved. In addition, this alteration is predicted to be tolerated by in silico analysis. Since supporting evidence is limited at this time, the clinical significance of this alteration remains unclear.